The following is an entry in ClinVar:

ClinVar aggregate classification (germline): Likely pathogenic (1 of 4 stars; one submission).

Submission:

CeGaT Center for Human Genetics Tuebingen
Classification: Likely pathogenic. Last evaluated: 2025-08-01. Review status: criteria provided, single submitter. Criteria: CeGaT Center For Human Genetics Tuebingen Variant Classification Criteria Version 2. Collection method: clinical testing. Allele origin: germline. Affected: yes. Observed: 1 variant allele.
Comment: UVSSA: PVS1:Strong, PM2

NM_020894.4(UVSSA):c.1471A>T (p.Lys491Ter)

Gene: UVSSA (UV stimulated scaffold protein A; plus strand). Cytogenetic location: 4p16.3.
Variant type: single nucleotide variant.
Coding change: c.1471A>T on transcript NM_020894.4 (MANE Select); coding-DNA position 1471, A replaced by T.
Protein change: p.Lys491Ter; replaces lysine 491 with a stop codon.
Molecular consequence: nonsense.
Genome position (GRCh38, 1-based): chr4:1,376,071, A>T. VCF-style: chr4-1376071-A-T. GRCh37 (hg19) VCF-style: chr4-1369859-A-T.
Other names: c.1471A>T, p.Lys491Ter (NM_001317934.2, NM_001317935.2); short protein forms K491*.
Identifiers: ClinVar variation 4534801 (VCV004534801.6).
Genomic context (GRCh38, chr4:1,376,071, plus strand): 5'-GCTGTCCCACTCTGCTCCTGTAGCCCCTCCAGAGCGTTGCCAGAGCCACAGGAGGCCCAG[A>T]AGCTGGCAGCAGAGCGGGCCCGGGCGCCTGTGGTGCCCTACGGCGTGGACCTGCACTACT-3'